The following is an entry in ClinVar:

ClinVar aggregate classification (germline): Uncertain significance (1 of 4 stars; one submission).

Conditions:
Familial cancer of breast. Also called: hereditary breast carcinoma; BREAST CANCER, FAMILIAL; Hereditary breast cancer. Identifiers: Orphanet 227535, MedGen C0346153, MONDO:0016419, OMIM 114480. Disease mechanism: loss of function.

Submission:

Labcorp Genetics (formerly Invitae), Labcorp
Classification: Uncertain significance for Familial cancer of breast. Last evaluated: 2026-01-14. Review status: criteria provided, single submitter. Criteria: Invitae Variant Classification Sherloc (09022015). Collection method: clinical testing. Allele origin: germline.
Comment: This sequence change replaces lysine, which is basic and polar, with glutamine, which is neutral and polar, at codon 170 of the BARD1 protein (p.Lys170Gln). This variant is not present in population databases (gnomAD no frequency). This variant has not been reported in the literature in individuals affected with BARD1-related conditions. An algorithm developed to predict the effect of missense changes on protein structure and function (PolyPhen-2) suggests that this variant is likely to be tolerated. In summary, the available evidence is currently insufficient to determine the role of this variant in disease. Therefore, it has been classified as a Variant of Uncertain Significance.

NM_000465.4(BARD1):c.508A>C (p.Lys170Gln)

Gene: BARD1 (BRCA1 associated RING domain 1; minus strand). Cytogenetic location: 2q35.
Variant type: single nucleotide variant.
Coding change: c.508A>C on transcript NM_000465.4 (MANE Select); coding-DNA position 508, A replaced by C.
Protein change: p.Lys170Gln; replaces lysine 170 with glutamine.
Molecular consequence: missense variant. On other transcripts: non-coding transcript variant (2), intron variant (3).
Genome position (GRCh38, 1-based): chr2:214,781,366, T>G on the plus strand (A>C on the coding strand, the complement: BARD1 is on the minus strand). VCF-style: chr2-214781366-T-G. GRCh37 (hg19) VCF-style: chr2-215646090-T-G.
Other names: c.451A>C, p.Lys151Gln (NM_001282543.2); c.158+28046A>C (NM_001282548.2); c.215+15695A>C (NM_001282545.2); c.364+10931A>C (NM_001282549.2); short protein forms K151Q, K170Q.
Identifiers: ClinVar variation 4735376 (VCV004735376.1).
Genomic context (GRCh38, chr2:214,781,366, plus strand): 5'-CTGCAGGAGGACTTGGGGAAACAAATTCATATGAGTCTTGCTGAGCACTTGCATCTTTTT[T>G]TATTGCAGGCTGGGTTTGCACTGAAGCTTTACTCACAACATATCTGACTTTCTTACTTCG-3'
Protein context (NP_000456.2, residues 160-180): KASVQTQPAI[Lys170Gln]KDASAQQDSY